The following is an entry in ClinVar:

NM_000093.5(COL5A1):c.4984T>C (p.Cys1662Arg)

Genes: COL5A1 (collagen type V alpha 1 chain; plus strand), LOC101448202 (uncharacterized LOC101448202; minus strand). Cytogenetic location: 9q34.3.
Variant type: single nucleotide variant.
Coding change: c.4984T>C on transcript NM_000093.5 (MANE Select); coding-DNA position 4984, T replaced by C.
Protein change: p.Cys1662Arg; replaces cysteine 1662 with arginine.
Molecular consequence: missense variant.
Genome position (GRCh38, 1-based): chr9:134,825,821, T>C. VCF-style: chr9-134825821-T-C. GRCh37 (hg19) VCF-style: chr9-137717667-T-C.
Other names: c.4984T>C, p.Cys1662Arg (NM_001278074.1); short protein forms C1662R.
Identifiers: ClinVar variation 1687666 (VCV001687666.2), dbSNP rs2132887638, ClinGen allele CA375458882.
Genomic context (GRCh38, chr9:134,825,821, plus strand): 5'-GCCTGCCTCCCTCCCCGTCTCTGAAATCCAGGTGAATACTGGGTCGATCCTAACCAAGGA[T>C]GCTCCAGGGATTCCTTCAAGGTTTACTGCAACTTCACAGCCGGGGGGTCGACATGCGTCT-3'
Protein context (NP_000084.3, residues 1652-1672): GEYWVDPNQG[Cys1662Arg]SRDSFKVYCN

ClinVar aggregate classification (germline): Uncertain significance (1 of 4 stars; one submission).

Submission:

GeneDx
Classification: Uncertain significance. Last evaluated: 2021-11-24. Review status: criteria provided, single submitter. Criteria: GeneDx Variant Classification Process June 2021. Collection method: clinical testing. Allele origin: germline. Affected: yes.
Comment: Has not been previously published as pathogenic or benign to our knowledge; Not observed at significant frequency in large population cohorts (gnomAD); In silico analysis supports that this missense variant has a deleterious effect on protein structure/function; Not located in the triple helical region, where the majority of pathogenic missense variants occur (Symoens et al., 2012; HGMD)